The following is an entry in ClinVar:

NM_001447.3(FAT2):c.10629T>A (p.Asp3543Glu)

Genes: FAT2 (FAT atypical cadherin 2; minus strand), SLC36A1 (solute carrier family 36 member 1; plus strand). Cytogenetic location: 5q33.1.
Variant type: single nucleotide variant.
Coding change: c.10629T>A on transcript NM_001447.3 (MANE Select); coding-DNA position 10629, T replaced by A.
Protein change: p.Asp3543Glu; replaces aspartic acid 3543 with glutamic acid.
Molecular consequence: missense variant.
Genome position (GRCh38, 1-based): chr5:151,521,964, A>T on the plus strand (T>A on the coding strand, the complement: FAT2 is on the minus strand). VCF-style: chr5-151521964-A-T. GRCh37 (hg19) VCF-style: chr5-150901525-A-T.
Other names: short protein forms D3543E.
Identifiers: ClinVar variation 3277812 (VCV003277812.2).

ClinVar aggregate classification (germline): Conflicting classifications of pathogenicity. Review status: criteria provided, conflicting classifications (1 of 4 stars). 2 submissions from 2 submitters: Uncertain significance (1); Likely benign (1). Last evaluated 2025-03-23.

gnomAD v4.1: 17 of 1,614,032 alleles (0.0011%); highest among the groups gnomAD compares: Non-Finnish European, 0.0014%; no homozygotes.

Submissions (2):

Labcorp Genetics (formerly Invitae), Labcorp
Classification: Uncertain significance. Last evaluated: 2025-03-23. Review status: criteria provided, single submitter. Criteria: Invitae Variant Classification Sherloc (09022015). Collection method: clinical testing. Allele origin: germline.
Comment: This sequence change replaces aspartic acid, which is acidic and polar, with glutamic acid, which is acidic and polar, at codon 3543 of the FAT2 protein (p.Asp3543Glu). This variant is present in population databases (rs770403427, gnomAD 0.002%). This variant has not been reported in the literature in individuals affected with FAT2-related conditions. ClinVar contains an entry for this variant (Variation ID: 3277812). Invitae Evidence Modeling of protein sequence and biophysical properties (such as structural, functional, and spatial information, amino acid conservation, physicochemical variation, residue mobility, and thermodynamic stability) indicates that this missense variant is not expected to disrupt FAT2 protein function with a negative predictive value of 80%. In summary, the available evidence is currently insufficient to determine the role of this variant in disease. Therefore, it has been classified as a Variant of Uncertain Significance.

Ambry Genetics
Classification: Likely benign. Last evaluated: 2024-06-07. Review status: criteria provided, single submitter. Criteria: Ambry Variant Classification Scheme 2023. Collection method: clinical testing. Allele origin: germline.